The following is an entry in ClinVar:

ClinVar aggregate classification (germline): Likely benign. Review status: criteria provided, multiple submitters, no conflicts (2 of 4 stars). 4 submissions from 4 submitters: Likely benign (3). 1 of the submissions does not count toward it. Last evaluated 2025-10-01.

Conditions:
CDSN-related disorder. Also called: CDSN-related condition.

Allele frequency attached by ClinVar (database versions not stated): ESP Exome Variant Server 0.00008; gnomAD 0.00015; 1000 Genomes Project 30x 0.00016; 1000 Genomes Project 0.00020; TOPMed 0.00020; ExAC 0.00033.
gnomAD v4.1: 231 of 1,586,836 alleles (0.015%); highest among the groups gnomAD compares: Middle Eastern, 0.084%; no homozygotes.

Submissions (4):

CeGaT Center for Human Genetics Tuebingen
Classification: Likely benign. Last evaluated: 2025-10-01. Review status: criteria provided, single submitter. Criteria: CeGaT Center For Human Genetics Tuebingen Variant Classification Criteria Version 2. Collection method: clinical testing. Allele origin: germline. Affected: yes. Observed: 1 variant allele.
Comment: CDSN: BP4, BP7

Labcorp Genetics (formerly Invitae), Labcorp
Classification: Likely benign. Last evaluated: 2024-08-08. Review status: criteria provided, single submitter. Criteria: Invitae Variant Classification Sherloc (09022015). Collection method: clinical testing. Allele origin: germline.

Blueprint Genetics
Classification: Likely benign. Last evaluated: 2024-05-22. Review status: criteria provided, single submitter. Criteria: ACMG Guidelines, 2015. Collection method: clinical testing. Allele origin: germline.

PreventionGenetics, part of Exact Sciences
Classification: Likely benign for CDSN-related condition. Last evaluated: 2020-02-24. Review status: no assertion criteria provided. Collection method: clinical testing. Allele origin: germline. Not counted in ClinVar's aggregate classification.
Comment: This variant is classified as likely benign based on ACMG/AMP sequence variant interpretation guidelines (Richards et al. 2015 PMID: 25741868, with internal and published modifications).

NM_001264.5(CDSN):c.9G>A (p.Ser3=)

Genes: CDSN (corneodesmosin; minus strand), PSORS1C1 (psoriasis susceptibility 1 candidate 1; plus strand). Cytogenetic location: 6p21.33.
Variant type: single nucleotide variant.
Coding change: c.9G>A on transcript NM_001264.5 (MANE Select); coding-DNA position 9, G replaced by A.
Protein change: p.Ser3=; no amino-acid change (serine 3 retained).
Molecular consequence: synonymous variant. On other transcripts: intron variant (1).
Genome position (GRCh38, 1-based): chr6:31,120,411, C>T on the plus strand (G>A on the coding strand, the complement: CDSN is on the minus strand). VCF-style: chr6-31120411-C-T. GRCh37 (hg19) VCF-style: chr6-31088188-C-T.
Other names: c.-228-5265C>T (NM_014068.3).
Identifiers: ClinVar variation 2069965 (VCV002069965.13), dbSNP rs141945415, ClinGen allele CA3708595.
Genomic context (GRCh38, chr6:31,120,411, plus strand): 5'-AGCCAGCAGCAGTGCCATCATCCCGTGCCCACCCACACGCCCCATCCAGGGTGCCCGAGA[C>T]GAGCCCATCTCGGACTGCACGGCCTCCTGACTGATGGCAGCTCAAGGACACCCGGGTCCT-3'
Protein context (NP_001255.4, residues 1-13): MG[Ser3=]SRAPWMGRVG